The following is an entry in ClinVar:

NM_015459.5(ATL3):c.1097A>G (p.Asn366Ser)

Genes: ATL3 (atlastin GTPase 3; minus strand), LNCROPM (lncRNA regulator of PLAAT3 mediated phospholipid metabolism; plus strand). Cytogenetic location: 11q13.1.
Variant type: single nucleotide variant.
Coding change: c.1097A>G on transcript NM_015459.5 (MANE Select); coding-DNA position 1097, A replaced by G.
Protein change: p.Asn366Ser; replaces asparagine 366 with serine.
Molecular consequence: missense variant.
Genome position (GRCh38, 1-based): chr11:63,633,036, T>C on the plus strand (A>G on the coding strand, the complement: ATL3 is on the minus strand). VCF-style: chr11-63633036-T-C. GRCh37 (hg19) VCF-style: chr11-63400508-T-C.
Other names: c.1043A>G, p.Asn348Ser (NM_001290048.2); short protein forms N348S, N366S.
Identifiers: ClinVar variation 1790885 (VCV001790885.2), dbSNP rs1217121725, ClinGen allele CA381025716.

ClinVar aggregate classification (germline): Uncertain significance (1 of 4 stars; one submission).

Conditions:
Inborn genetic diseases. Identifiers: MedGen C0950123, MeSH D030342.

Allele frequency attached by ClinVar (database versions not stated): TOPMed below 0.00001.
gnomAD v4.1: 1 of 1,614,082 alleles (0.000062%); highest among the groups gnomAD compares: South Asian, 0.0011%; no homozygotes.

Submission:

Ambry Genetics
Classification: Uncertain significance for Inborn genetic diseases. Last evaluated: 2020-10-21. Review status: criteria provided, single submitter. Criteria: Ambry Variant Classification Scheme 2023. Collection method: clinical testing. Allele origin: germline.
Comment: The p.N366S variant (also known as c.1097A>G), located in coding exon 11 of the ATL3 gene, results from an A to G substitution at nucleotide position 1097. The asparagine at codon 366 is replaced by serine, an amino acid with highly similar properties. This amino acid position is not well conserved in available vertebrate species. In addition, this alteration is predicted to be tolerated by in silico analysis. Since supporting evidence is limited at this time, the clinical significance of this alteration remains unclear.